The following is an entry in ClinVar:

ClinVar aggregate classification (germline): Uncertain significance (1 of 4 stars; one submission).

gnomAD v4.1: 29 of 157,824 alleles (0.018%); highest among the groups gnomAD compares: South Asian, 0.014%; no homozygotes.

Submission:

CeGaT Center for Human Genetics Tuebingen
Classification: Uncertain significance. Last evaluated: 2025-09-01. Review status: criteria provided, single submitter. Criteria: CeGaT Center For Human Genetics Tuebingen Variant Classification Criteria Version 2. Collection method: clinical testing. Allele origin: germline. Affected: yes. Observed: 1 variant allele.
Comment: RNU12: PM2

NR_029422.2(RNU12):n.114C>G

Gene: RNU12 (RNA, U12 small nuclear; plus strand). Cytogenetic location: 22q13.2.
Variant type: single nucleotide variant.
Molecular consequence: non-coding transcript variant (on NR_029422.2).
Genome position: GRCh38 VCF-style: chr22-42615357-C-G. GRCh37 (hg19) VCF-style: chr22-43011363-C-G.
Identifiers: ClinVar variation 4281249 (VCV004281249.7).